The following is an entry in ClinVar:

NM_000304.4(PMP22):c.191C>T (p.Ser64Phe)

Gene: PMP22 (peripheral myelin protein 22; minus strand). Cytogenetic location: 17p12.
Variant type: single nucleotide variant.
Coding change: c.191C>T on transcript NM_000304.4 (MANE Select); coding-DNA position 191, C replaced by T.
Protein change: p.Ser64Phe; replaces serine 64 with phenylalanine.
Molecular consequence: missense variant. On other transcripts: non-coding transcript variant (2).
Genome position (GRCh38, 1-based): chr17:15,239,599, G>A on the plus strand (C>T on the coding strand, the complement: PMP22 is on the minus strand). VCF-style: chr17-15239599-G-A. GRCh37 (hg19) VCF-style: chr17-15142916-G-A.
Other names: c.191C>T, p.Ser64Phe (NM_001281455.2, NM_001281456.2, NM_001330143.2 and 2 more transcripts); c.191C>T (NM_000304.2); short protein forms S64F.
Identifiers: ClinVar variation 1403695 (VCV001403695.8), dbSNP rs1311837830, ClinGen allele CA398268383.

ClinVar aggregate classification (germline): Uncertain significance. Review status: criteria provided, multiple submitters, no conflicts (2 of 4 stars). 2 submissions from 2 submitters: Uncertain significance (2). Last evaluated 2026-05-23.

Conditions:
Charcot-Marie-Tooth disease, type I (CMT1). Also called: Charcot-Marie-Tooth, Type 1; Charcot-Marie-Tooth disease type 1. Identifiers: Orphanet 65753, MedGen C0751036, MONDO:0019011.
Inborn genetic diseases. Identifiers: MedGen C0950123, MeSH D030342.

Allele frequency attached by ClinVar (database versions not stated): gnomAD exomes below 0.00001; TOPMed 0.00002.
gnomAD v4.1: 4 of 1,613,948 alleles (0.00025%); highest among the groups gnomAD compares: Admixed American, 0.0017%; no homozygotes.

Submissions (2):

Ambry Genetics
Classification: Uncertain significance for Inborn genetic diseases. Last evaluated: 2026-05-23. Review status: criteria provided, single submitter. Criteria: Ambry Variant Classification Scheme 2023. Collection method: clinical testing. Allele origin: germline.
Comment: The c.191C>T (p.S64F) alteration is located in coding exon 3 of the PMP22 gene. This alteration results from a C to T substitution at nucleotide position 191, causing the serine (S) at amino acid position 64 to be replaced by a phenylalanine (F). This variant was not reported in population-based cohorts in the Genome Aggregation Database (gnomAD). This amino acid position is well conserved in available vertebrate species. This alteration is predicted to be deleterious by in silico analysis. Based on insufficient or conflicting evidence, the clinical significance of this alteration remains unclear.

Labcorp Genetics (formerly Invitae), Labcorp
Classification: Uncertain significance for Charcot-Marie-Tooth disease, type I. Last evaluated: 2025-05-16. Review status: criteria provided, single submitter. Criteria: Invitae Variant Classification Sherloc (09022015). Collection method: clinical testing. Allele origin: germline.
Comment: This sequence change replaces serine, which is neutral and polar, with phenylalanine, which is neutral and non-polar, at codon 64 of the PMP22 protein (p.Ser64Phe). This variant is not present in population databases (gnomAD no frequency). This variant has not been reported in the literature in individuals affected with PMP22-related conditions. ClinVar contains an entry for this variant (Variation ID: 1403695). An algorithm developed to predict the effect of missense changes on protein structure and function (PolyPhen-2) suggests that this variant is likely to be disruptive. In summary, the available evidence is currently insufficient to determine the role of this variant in disease. Therefore, it has been classified as a Variant of Uncertain Significance.